The following is an entry in ClinVar:

ClinVar aggregate classification (germline): Uncertain significance (1 of 4 stars; one submission).

Conditions:
Hypokalemic periodic paralysis, type 1. Also called: HypoPP; Hypokalemic Periodic Paralysis Type 1 (AD). Identifiers: Orphanet 681, MedGen C3714580, MONDO:0042979, OMIM 170400.
Malignant hyperthermia, susceptibility to, 5 (MHS5). Also called: CACNA1S-Related Malignant Hyperthermia Susceptibility. Identifiers: Orphanet 423, MedGen C1866077, MONDO:0011163, OMIM 601887.

Allele frequency attached by ClinVar (database versions not stated): gnomAD exomes below 0.00001 and 0.00001.
gnomAD v4.1: 7 of 1,614,118 alleles (0.00043%); highest among the groups gnomAD compares: Non-Finnish European, 0.00059%; no homozygotes.

Submission:

Labcorp Genetics (formerly Invitae), Labcorp
Classification: Uncertain significance for Hypokalemic periodic paralysis, type 1; Malignant hyperthermia, susceptibility to, 5. Last evaluated: 2021-05-19. Review status: criteria provided, single submitter. Criteria: Invitae Variant Classification Sherloc (09022015). Collection method: clinical testing. Allele origin: germline.
Comment: In summary, the available evidence is currently insufficient to determine the role of this variant in disease. Therefore, it has been classified as a Variant of Uncertain Significance. Advanced modeling of protein sequence and biophysical properties (such as structural, functional, and spatial information, amino acid conservation, physicochemical variation, residue mobility, and thermodynamic stability) performed at Invitae indicates that this missense variant is not expected to disrupt CACNA1S protein function. This variant has not been reported in the literature in individuals with CACNA1S-related conditions. This variant is not present in population databases (ExAC no frequency). This sequence change replaces valine with methionine at codon 1155 of the CACNA1S protein (p.Val1155Met). The valine residue is moderately conserved and there is a small physicochemical difference between valine and methionine.

NM_000069.3(CACNA1S):c.3463G>A (p.Val1155Met)

Gene: CACNA1S (calcium voltage-gated channel subunit alpha1 S; minus strand). Cytogenetic location: 1q32.1.
Variant type: single nucleotide variant.
Coding change: c.3463G>A on transcript NM_000069.3 (MANE Select); coding-DNA position 3463, G replaced by A.
Protein change: p.Val1155Met; replaces valine 1155 with methionine.
Molecular consequence: missense variant.
Genome position (GRCh38, 1-based): chr1:201,059,251, C>T on the plus strand (G>A on the coding strand, the complement: CACNA1S is on the minus strand). VCF-style: chr1-201059251-C-T. GRCh37 (hg19) VCF-style: chr1-201028379-C-T.
Other names: short protein forms V1155M.
Identifiers: ClinVar variation 1396082 (VCV001396082.8), dbSNP rs1362149806, ClinGen allele CA344158566.